The following is an entry in ClinVar:

ClinVar aggregate classification (germline): Uncertain significance. Review status: criteria provided, multiple submitters, no conflicts (2 of 4 stars). 3 submissions from 3 submitters: Uncertain significance (3). Last evaluated 2025-09-04.

Conditions:
Inborn genetic diseases. Identifiers: MedGen C0950123, MeSH D030342.
ELOVL4-related disorder. Also called: ELOVL4-related condition; ELOVL4-related disorders.

Allele frequency attached by ClinVar (database versions not stated): gnomAD exomes 0.00002 and 0.00003; TOPMed 0.00003; gnomAD 0.00004; ExAC 0.00006; ESP Exome Variant Server 0.00008.
gnomAD v4.1: 16 of 1,614,004 alleles (0.00099%); highest among the groups gnomAD compares: Admixed American, 0.015%; no homozygotes.

Submissions (3):

PreventionGenetics, part of Exact Sciences
Classification: Uncertain significance for ELOVL4-related condition. Last evaluated: 2025-09-04. Review status: criteria provided, single submitter. Criteria: ACMG Guidelines, 2015. Collection method: clinical testing. Allele origin: germline.
Comment: The ELOVL4 c.848T>C variant is predicted to result in the amino acid substitution p.Met283Thr. To our knowledge, this variant has not been reported in the literature. This variant is present in 0.016% of alleles in individuals of African descent in gnomAD. At this time, the clinical significance of this variant is uncertain due to the absence of conclusive functional and genetic evidence.

Ambry Genetics
Classification: Uncertain significance for Inborn genetic diseases. Last evaluated: 2025-01-06. Review status: criteria provided, single submitter. Criteria: Ambry Variant Classification Scheme 2023. Collection method: clinical testing. Allele origin: germline.

Labcorp Genetics (formerly Invitae), Labcorp
Classification: Uncertain significance. Last evaluated: 2024-07-15. Review status: criteria provided, single submitter. Criteria: Invitae Variant Classification Sherloc (09022015). Collection method: clinical testing. Allele origin: germline.
Comment: This sequence change replaces methionine, which is neutral and non-polar, with threonine, which is neutral and polar, at codon 283 of the ELOVL4 protein (p.Met283Thr). This variant is present in population databases (rs373242415, gnomAD 0.02%). This variant has not been reported in the literature in individuals affected with ELOVL4-related conditions. ClinVar contains an entry for this variant (Variation ID: 1044461). An algorithm developed to predict the effect of missense changes on protein structure and function outputs the following: PolyPhen-2: "Benign". The threonine amino acid residue is found in multiple mammalian species, which suggests that this missense change does not adversely affect protein function. In summary, the available evidence is currently insufficient to determine the role of this variant in disease. Therefore, it has been classified as a Variant of Uncertain Significance.

NM_022726.4(ELOVL4):c.848T>C (p.Met283Thr)

Gene: ELOVL4 (ELOVL fatty acid elongase 4; minus strand). Cytogenetic location: 6q14.1.
Variant type: single nucleotide variant.
Coding change: c.848T>C on transcript NM_022726.4 (MANE Select); coding-DNA position 848, T replaced by C.
Protein change: p.Met283Thr; replaces methionine 283 with threonine.
Molecular consequence: missense variant.
Genome position (GRCh38, 1-based): chr6:79,916,705, A>G on the plus strand (T>C on the coding strand, the complement: ELOVL4 is on the minus strand). VCF-style: chr6-79916705-A-G. GRCh37 (hg19) VCF-style: chr6-80626422-A-G.
Other names: c.848T>C (NM_022726.3); short protein forms M283T.
Identifiers: ClinVar variation 1044461 (VCV001044461.10), dbSNP rs373242415, ClinGen allele CA3901452.